The following is an entry in ClinVar:

ClinVar aggregate classification (germline): Uncertain significance (1 of 4 stars; one submission).

Conditions:
Primary ciliary dyskinesia. Also called: Ciliary dyskinesia. Identifiers: Orphanet 244, MedGen C0008780, MONDO:0016575, HP:0012265.

Submission:

Ambry Genetics
Classification: Uncertain significance for Primary ciliary dyskinesia. Last evaluated: 2026-04-28. Review status: criteria provided, single submitter. Criteria: Ambry Variant Classification Scheme 2023. Collection method: clinical testing. Allele origin: germline.
Comment: The c.1031-2A>C intronic variant results from an A to C substitution two nucleotides before coding exon 8 in the DNAAF1 gene. This variant has been identified in the homozygous state and/or in conjunction with other DNAAF1 variant(s) in individual(s) with features consistent with primary ciliary dyskinesia (Ambry internal data). Variants that disrupt the canonical splice site are expected to result in aberrant splicing. In silico splice site analysis predicts that this alteration will weaken the native splice acceptor site and will result in the creation or strengthening of a novel splice acceptor site. A resulting transcript is predicted to be in-frame and is not expected to trigger nonsense-mediated mRNAdecay; although, direct evidence is unavailable. This nucleotide position is highly conserved in available vertebrate species. Based on the available evidence, the clinical significance of this variant remains unclear.

NM_178452.6(DNAAF1):c.1031-2A>C

Gene: DNAAF1 (dynein axonemal assembly factor 1; plus strand). Cytogenetic location: 16q24.1.
Variant type: single nucleotide variant.
Coding change: c.1031-2A>C on transcript NM_178452.6 (MANE Select); the canonical splice acceptor site of the intron before coding-DNA position 1031, A replaced by C.
Molecular consequence: splice acceptor variant.
Genome position (GRCh38, 1-based): chr16:84,169,857, A>C. VCF-style: chr16-84169857-A-C. GRCh37 (hg19) VCF-style: chr16-84203463-A-C.
Other names: c.323-2A>C (NM_001318756.1).
Identifiers: ClinVar variation 4869898 (VCV004869898.1).